The following is an entry in ClinVar:

ClinVar aggregate classification (germline): Uncertain significance. Review status: criteria provided, multiple submitters, no conflicts (2 of 4 stars). 3 submissions from 3 submitters: Uncertain significance (3). Last evaluated 2025-08-30.

Conditions:
Arrhythmogenic right ventricular dysplasia 8 (ARVD8). Also called: Arrhythmogenic Right Ventricular Dysplasia/Cardiomyopathy 8; ARRHYTHMOGENIC RIGHT VENTRICULAR DYSPLASIA, FAMILIAL, 8; ARRHYTHMOGENIC RIGHT VENTRICULAR CARDIOMYOPATHY 8. Identifiers: MedGen C1843896, MONDO:0011831, OMIM 607450.
Arrhythmogenic cardiomyopathy with wooly hair and keratoderma. Also called: Arrhythmogenic cardiomyopathy with woolly hair and keratoderma; Carvajal syndrome; PALMOPLANTAR KERATODERMA WITH LEFT VENTRICULAR CARDIOMYOPATHY AND WOOLLY HAIR; Dilated cardiomyopathy with woolly hair and keratoderma. Identifiers: Orphanet 65282, MedGen C1854063, MONDO:0011581, OMIM 605676.
Cardiomyopathy (CMYO). Also called: Cardiomyopathies. Identifiers: Orphanet 167848, MedGen C0878544, MONDO:0004994, HP:0001638. Inheritance: Various modes of inheritance.

Allele frequency attached by ClinVar (database versions not stated): gnomAD exomes below 0.00001.
gnomAD v4.1: 2 of 1,614,156 alleles (0.00012%); highest among the groups gnomAD compares: Non-Finnish European, 0.00017%; no homozygotes.

Submissions (3):

Color Diagnostics, LLC DBA Color Health
Classification: Uncertain significance for Cardiomyopathy. Last evaluated: 2025-08-30. Review status: criteria provided, single submitter. Criteria: ACMG Guidelines, 2015. Collection method: clinical testing. Allele origin: germline.
Comment: This missense variant replaces glycine with glutamic acid at codon 2734 of the DSP protein. Computational prediction suggests that this variant may have deleterious impact on protein structure and function. To our knowledge, functional studies have not been reported for this variant. This variant has not been reported in individuals affected with DSP-related disorders in the literature. This variant has not been identified in the general population by the Genome Aggregation Database (gnomAD). The available evidence is insufficient to determine the role of this variant in disease conclusively. Therefore, this variant is classified as a Variant of Uncertain Significance.

Labcorp Genetics (formerly Invitae), Labcorp
Classification: Uncertain significance for Arrhythmogenic cardiomyopathy with wooly hair and keratoderma; Arrhythmogenic right ventricular dysplasia 8. Last evaluated: 2022-07-12. Review status: criteria provided, single submitter. Criteria: Invitae Variant Classification Sherloc (09022015). Collection method: clinical testing. Allele origin: germline.
Comment: This variant has not been reported in the literature in individuals affected with DSP-related conditions. In summary, the available evidence is currently insufficient to determine the role of this variant in disease. Therefore, it has been classified as a Variant of Uncertain Significance. Algorithms developed to predict the effect of missense changes on protein structure and function (SIFT, PolyPhen-2, Align-GVGD) all suggest that this variant is likely to be disruptive. ClinVar contains an entry for this variant (Variation ID: 569097). This variant is not present in population databases (gnomAD no frequency). This sequence change replaces glycine, which is neutral and non-polar, with glutamic acid, which is acidic and polar, at codon 2734 of the DSP protein (p.Gly2734Glu).

Blueprint Genetics
Classification: Uncertain significance. Last evaluated: 2020-01-20. Review status: criteria provided, single submitter. Criteria: ACMG Guidelines, 2015. Collection method: clinical testing. Allele origin: germline.

NM_004415.4(DSP):c.8201G>A (p.Gly2734Glu)

Gene: DSP (desmoplakin; plus strand). Cytogenetic location: 6p24.3.
Variant type: single nucleotide variant.
Coding change: c.8201G>A on transcript NM_004415.4 (MANE Select); coding-DNA position 8201, G replaced by A.
Protein change: p.Gly2734Glu; replaces glycine 2734 with glutamic acid.
Molecular consequence: missense variant.
Genome position (GRCh38, 1-based): chr6:7,585,463, G>A. VCF-style: chr6-7585463-G-A. GRCh37 (hg19) VCF-style: chr6-7585696-G-A.
Other names: c.8201G>A (LRG_423t1); c.6404G>A, p.Gly2135Glu (NM_001008844.3); c.6872G>A, p.Gly2291Glu (NM_001319034.2); short protein forms G2734E, G2291E, G2135E.
Identifiers: ClinVar variation 569097 (VCV000569097.11), dbSNP rs1561705241, ClinGen allele CA362694659.
Genomic context (GRCh38, chr6:7,585,463, plus strand): 5'-AAGAAAAATGGCTCCCGTATGAGGCTGGCCAGCGCTTCCTGGAGTTCCAGTACCTCACGG[G>A]AGGTCTTGTTGACCCGGAAGTGCATGGGAGGATAAGCACCGAAGAAGCCATCCGGAAGGG-3'
Protein context (NP_004406.2, residues 2724-2744): QRFLEFQYLT[Gly2734Glu]GLVDPEVHGR